The following is an entry in ClinVar:

NM_003737.4(DCHS1):c.1925G>A (p.Arg642Gln)

Gene: DCHS1 (dachsous cadherin-related 1; minus strand). Cytogenetic location: 11p15.4.
Variant type: single nucleotide variant.
Coding change: c.1925G>A on transcript NM_003737.4 (MANE Select); coding-DNA position 1925, G replaced by A.
Protein change: p.Arg642Gln; replaces arginine 642 with glutamine.
Molecular consequence: missense variant.
Genome position (GRCh38, 1-based): chr11:6,634,179, C>T on the plus strand (G>A on the coding strand, the complement: DCHS1 is on the minus strand). VCF-style: chr11-6634179-C-T. GRCh37 (hg19) VCF-style: chr11-6655410-C-T.
Other names: c.1925G>A (NM_003737.2); short protein forms R642Q.
Identifiers: ClinVar variation 2183469 (VCV002183469.6), dbSNP rs897658126, ClinGen allele CA217299679.

ClinVar aggregate classification (germline): Uncertain significance. Review status: criteria provided, multiple submitters, no conflicts (2 of 4 stars). 2 submissions from 2 submitters: Uncertain significance (2). Last evaluated 2025-02-01.

Conditions:
Inborn genetic diseases. Identifiers: MedGen C0950123, MeSH D030342.

Allele frequency attached by ClinVar (database versions not stated): gnomAD 0.00002; TOPMed 0.00003; gnomAD exomes 0.00001.
gnomAD v4.1: 19 of 1,613,454 alleles (0.0012%); highest among the groups gnomAD compares: East Asian, 0.0045%; no homozygotes.

Submissions (2):

Labcorp Genetics (formerly Invitae), Labcorp
Classification: Uncertain significance. Last evaluated: 2025-02-01. Review status: criteria provided, single submitter. Criteria: Invitae Variant Classification Sherloc (09022015). Collection method: clinical testing. Allele origin: germline.
Comment: This sequence change replaces arginine, which is basic and polar, with glutamine, which is neutral and polar, at codon 642 of the DCHS1 protein (p.Arg642Gln). This variant is present in population databases (no rsID available, gnomAD 0.003%). This variant has not been reported in the literature in individuals affected with DCHS1-related conditions. ClinVar contains an entry for this variant (Variation ID: 2183469). Invitae Evidence Modeling of protein sequence and biophysical properties (such as structural, functional, and spatial information, amino acid conservation, physicochemical variation, residue mobility, and thermodynamic stability) indicates that this missense variant is not expected to disrupt DCHS1 protein function with a negative predictive value of 80%. In summary, the available evidence is currently insufficient to determine the role of this variant in disease. Therefore, it has been classified as a Variant of Uncertain Significance.

Ambry Genetics
Classification: Uncertain significance for Inborn genetic diseases. Last evaluated: 2023-03-29. Review status: criteria provided, single submitter. Criteria: Ambry Variant Classification Scheme 2023. Collection method: clinical testing. Allele origin: germline.